The following is an entry in ClinVar:

NM_000834.5(GRIN2B):c.1954G>C (p.Ala652Pro)

Gene: GRIN2B (glutamate ionotropic receptor NMDA type subunit 2B; minus strand). Cytogenetic location: 12p13.1.
Variant type: single nucleotide variant.
Coding change: c.1954G>C on transcript NM_000834.5 (MANE Select); coding-DNA position 1954, G replaced by C.
Protein change: p.Ala652Pro; replaces alanine 652 with proline.
Molecular consequence: missense variant.
Genome position (GRCh38, 1-based): chr12:13,608,659, C>G on the plus strand (G>C on the coding strand, the complement: GRIN2B is on the minus strand). VCF-style: chr12-13608659-C-G. GRCh37 (hg19) VCF-style: chr12-13761593-C-G.
Other names: short protein forms A652P.
Identifiers: ClinVar variation 452873 (VCV000452873.2), dbSNP rs1555110812, ClinGen allele CA384050912.

ClinVar aggregate classification (germline): Pathogenic (1 of 4 stars; one submission).

Submission:

GeneDx
Classification: Pathogenic. Last evaluated: 2017-10-18. Review status: criteria provided, single submitter. Criteria: GeneDx Variant Classification (06012015). Collection method: clinical testing. Allele origin: germline. Affected: yes.
Comment: The A652P pathogenic variant in the GRIN2B gene has not been reported previously as a pathogenic variant nor as a benign variant, to our knowledge. The A652P variant is not observed in large population cohorts (Lek et al., 2016). The A652P variant is a semi-conservative amino acid substitution, which may impact secondary protein structure as these residues differ in some properties. Additionally, this substitution occurs at a position in the pore forming domain that is conserved across species, and in silico analysis predicts this variant is probably damaging to the proteinstructure/function. Other missense variants in the pore forming domain have been reported in the Human Gene Mutation Database in association with GRIN2B-related disorders (Stenson et al., 2014).